The following is an entry in ClinVar:

NM_153766.3(KCNJ1):c.219del (p.Trp73fs)

Gene: KCNJ1 (potassium inwardly rectifying channel subfamily J member 1; minus strand). Cytogenetic location: 11q24.3.
Variant type: Deletion.
Coding change: c.219del on transcript NM_153766.3 (MANE Select); coding-DNA position 219, one base deleted (G; older notation c.219delG).
Protein change: p.Trp73fs; shifts the reading frame from tryptophan 73.
Molecular consequence: frameshift variant.
Genome position (GRCh38, 1-based): chr11:128,840,025, C deleted on the plus strand (G on the coding strand, the reverse complement: KCNJ1 is on the minus strand); the first of 2 consecutive C bases (chr11:128,840,025-128,840,026); deleting either gives the same sequence. VCF-style (leftmost placement, unchanged base first): chr11-128840024-AC-A. GRCh37 (hg19) VCF-style: chr11-128709919-AC-A.
Other names: c.276del, p.Trp92fs (NM_000220.6); c.219del, p.Trp73fs (NM_153764.3, NM_153767.4); c.270del, p.Trp90fs (NM_153765.3); short protein forms W73fs, W90fs, W92fs.
Identifiers: ClinVar variation 4280668 (VCV004280668.1).

ClinVar aggregate classification (germline): Likely pathogenic (1 of 4 stars; one submission).

Conditions:
Bartter disease type 2. Also called: HYPOKALEMIC ALKALOSIS WITH HYPERCALCIURIA 2, ANTENATAL; HYPERPROSTAGLANDIN E SYNDROME 2; Bartter syndrome, type 2, antenatal. Identifiers: Orphanet 112, Orphanet 620220, MedGen C1855849, MONDO:0009424, OMIM 241200.

Submission:

Institute of Human Genetics, University of Goettingen
Classification: Likely pathogenic for Bartter disease type 2. Last evaluated: 2023-07-11. Review status: criteria provided, single submitter. Criteria: ACMG Guidelines, 2015. Collection method: clinical testing. Allele origin: germline. Inheritance: Autosomal recessive inheritance. Affected: yes. Observed: 1 compound heterozygote.
Comment: The heterozygous variant c.276del (p.(Trp92Cysfs*11)) in the KCNJ1 gene is not found in the gnomAD database and is predicted to result in a truncated protein. The molecular finding is consistent with the patient's clinical presentation. ACMG criteria used for classification: PVS1_very strong, PM2_supporting.